The following is an entry in ClinVar:

ClinVar aggregate classification (germline): Benign/Likely benign. Review status: criteria provided, multiple submitters, no conflicts (2 of 4 stars). 7 submissions from 7 submitters: Benign (6); Likely benign (1). Last evaluated 2026-02-04.

Conditions:
Prolidase deficiency. Identifiers: Orphanet 742, MedGen C0268532, MONDO:0008221, OMIM 170100.

Allele frequency attached by ClinVar (database versions not stated): gnomAD exomes 0.22890; 1000 Genomes Project 0.27835; 1000 Genomes Project 30x 0.27983; ESP Exome Variant Server 0.29009; gnomAD 0.30297 and 0.31124; TOPMed 0.30885; ExAC 0.33656.
gnomAD v4.1: 408,882 of 1,594,290 alleles (26%); highest among the groups gnomAD compares: African/African-American, 47%; 55,210 homozygotes.

Submissions (7):

Labcorp Genetics (formerly Invitae), Labcorp
Classification: Benign. Last evaluated: 2026-02-04. Review status: criteria provided, single submitter. Criteria: Invitae Variant Classification Sherloc (09022015). Collection method: clinical testing. Allele origin: germline.

Blueprint Genetics
Classification: Likely benign. Last evaluated: 2024-11-28. Review status: criteria provided, single submitter. Criteria: ACMG Guidelines, 2015. Collection method: clinical testing. Allele origin: germline.

Mayo Clinic Laboratories, Mayo Clinic
Classification: Benign. Last evaluated: 2024-11-08. Review status: criteria provided, single submitter. Criteria: ACMG Guidelines, 2015. Collection method: clinical testing. Allele origin: germline. Observed: 275 variant alleles.
Comment: BA1, BS2

Unidad de Genómica Garrahan, Hospital de Pediatría Garrahan
Classification: Benign. Last evaluated: 2023-11-12. Review status: criteria provided, single submitter. Criteria: ACMG Guidelines, 2015. Collection method: clinical testing. Allele origin: germline. Affected: no. Observed: 26 variant alleles.
Comment: This variant is classified as Benign based on local population frequency. This variant was detected in 27% of patients studied by a panel of primary immunodeficiencies. Number of patients: 26. Only high quality variants are reported.

Illumina Laboratory Services, Illumina
Classification: Benign for Prolidase deficiency. Last evaluated: 2018-01-13. Review status: criteria provided, single submitter. Criteria: ICSL Variant Classification Criteria 13 December 2019. Collection method: clinical testing. Allele origin: germline.
Comment: This variant was observed in the ICSL laboratory as part of a predisposition screen in an ostensibly healthy population. It had not been previously curated by ICSL or reported in the Human Gene Mutation Database (HGMD: prior to June 1st, 2018), and was therefore a candidate for classification through an automated scoring system. Utilizing variant allele frequency, disease prevalence and penetrance estimates, and inheritance mode, an automated score was calculated to assess if this variant is too frequent to cause the disease. Based on the score and internal cut-off values, a variant classified as benign is not then subjected to further curation. The score for this variant resulted in a classification of benign for this disease.

GeneDx
Classification: Benign. Last evaluated: 2015-09-29. Review status: criteria provided, single submitter. Criteria: GeneDx Variant Classification (06012015). Collection method: clinical testing. Allele origin: germline. Affected: yes.
Comment: This variant is considered likely benign or benign based on one or more of the following criteria: it is a conservative change, it occurs at a poorly conserved position in the protein, it is predicted to be benign by multiple in silico algorithms, and/or has population frequency not consistent with disease.

Breakthrough Genomics
Classification: Benign. Review status: criteria provided, single submitter. Criteria: ACMG Guidelines, 2015. Collection method: not provided. Allele origin: germline. Inheritance: Autosomal recessive inheritance. Affected: yes.

NM_000285.4(PEPD):c.1303C>T (p.Leu435Phe)

Gene: PEPD (peptidase D; minus strand). Cytogenetic location: 19q13.11.
Variant type: single nucleotide variant.
Coding change: c.1303C>T on transcript NM_000285.4 (MANE Select); coding-DNA position 1303, C replaced by T.
Protein change: p.Leu435Phe; replaces leucine 435 with phenylalanine.
Molecular consequence: missense variant.
Genome position (GRCh38, 1-based): chr19:33,387,931, G>A on the plus strand (C>T on the coding strand, the complement: PEPD is on the minus strand). VCF-style: chr19-33387931-G-A. GRCh37 (hg19) VCF-style: chr19-33878837-G-A.
Other names: c.1180C>T, p.Leu394Phe (NM_001166056.2); c.1111C>T, p.Leu371Phe (NM_001166057.2); short protein forms L435F, L394F, L371F.
Identifiers: ClinVar variation 328791 (VCV000328791.18), dbSNP rs17570, ClinGen allele CA9363935.